The following is an entry in ClinVar:

ClinVar aggregate classification (germline): Pathogenic (1 of 4 stars; one submission).

Conditions:
Citrin deficiency. Identifiers: Orphanet 247582, MedGen C1997910, MONDO:0016602.

Submission:

Labcorp Genetics (formerly Invitae), Labcorp
Classification: Pathogenic for Citrin deficiency. Last evaluated: 2021-05-07. Review status: criteria provided, single submitter. Criteria: Invitae Variant Classification Sherloc (09022015). Collection method: clinical testing. Allele origin: germline.
Comment: For these reasons, this variant has been classified as Pathogenic. This variant has not been reported in the literature in individuals with SLC25A13-related conditions. This variant is not present in population databases (ExAC no frequency). This sequence change creates a premature translational stop signal (p.Gln153*) in the SLC25A13 gene. It is expected to result in an absent or disrupted protein product. Loss-of-function variants in SLC25A13 are known to be pathogenic (PMID: 10369257, 14680984, 27405544).

Literature cited by the submitters: PubMed 10369257; PubMed 14680984; PubMed 27405544.

NM_014251.3(SLC25A13):c.457C>T (p.Gln153Ter)

Gene: SLC25A13 (solute carrier family 25 member 13; minus strand). Cytogenetic location: 7q21.3.
Variant type: single nucleotide variant.
Coding change: c.457C>T on transcript NM_014251.3 (MANE Select); coding-DNA position 457, C replaced by T.
Protein change: p.Gln153Ter; replaces glutamine 153 with a stop codon.
Molecular consequence: nonsense. On other transcripts: non-coding transcript variant (1).
Genome position (GRCh38, 1-based): chr7:96,208,849, G>A on the plus strand (C>T on the coding strand, the complement: SLC25A13 is on the minus strand). VCF-style: chr7-96208849-G-A. GRCh37 (hg19) VCF-style: chr7-95838161-G-A.
Other names: c.457C>T, p.Gln153Ter (NM_001160210.2); short protein forms Q153*.
Identifiers: ClinVar variation 1453939 (VCV001453939.6), dbSNP rs2116717136, ClinGen allele CA368406794.